The following is an entry in ClinVar:

ClinVar aggregate classification (germline): Uncertain significance (1 of 4 stars; one submission).

gnomAD v4.1: 1 of 1,611,754 alleles (0.000062%); highest among the groups gnomAD compares: Non-Finnish European, 0.000085%; no homozygotes.

Submission:

Ambry Genetics
Classification: Uncertain significance. Last evaluated: 2026-07-09. Review status: criteria provided, single submitter. Criteria: Ambry Variant Classification Scheme 2023. Collection method: clinical testing. Allele origin: germline.
Comment: The p.L479F variant (also known as c.1435C>T), located in coding exon 8 of the ATRIP gene, results from a C to T substitution at nucleotide position 1435. The leucine at codon 479 is replaced by phenylalanine, an amino acid with highly similar properties. This amino acid position is conserved. In addition, the in silico prediction for this alteration is inconclusive. Based on the available evidence, the clinical significance of this variant remains unclear.

NM_130384.3(ATRIP):c.1435C>T (p.Leu479Phe)

Genes: ATRIP (ATR interacting protein; plus strand), ATRIP-TREX1 (ATRIP-TREX1 readthrough; plus strand). Cytogenetic location: 3p21.31.
Variant type: single nucleotide variant.
Coding change: c.1435C>T on transcript NM_130384.3 (MANE Select); coding-DNA position 1435, C replaced by T.
Protein change: p.Leu479Phe; replaces leucine 479 with phenylalanine.
Molecular consequence: missense variant. On other transcripts: non-coding transcript variant (1).
Genome position (GRCh38, 1-based): chr3:48,460,489, C>T. VCF-style: chr3-48460489-C-T. GRCh37 (hg19) VCF-style: chr3-48501888-C-T.
Other names: c.1054C>T, p.Leu352Phe (NM_001271022.2); c.1156C>T, p.Leu386Phe (NM_001271023.2); c.1435C>T, p.Leu479Phe (NM_032166.4); short protein forms L352F, L479F, L386F.
Identifiers: ClinVar variation 5032426 (VCV005032426.1).
Genomic context (GRCh38, chr3:48,460,489, plus strand): 5'-GGGGTAGAGACCAACCCTGAGGACTCAGTGTGCATCCTGGAAGGCTTCTCTGTGACTGCA[C>T]TTAGCATTCTTCAGCACCTGGTGTGCCACAGCGGAGCAGTCGTCTCCCTATTACTGTCAG-3'
Protein context (NP_569055.1, residues 469-489): CILEGFSVTA[Leu479Phe]SILQHLVCHS